The following is an entry in ClinVar:

ClinVar aggregate classification (germline): Benign (1 of 4 stars; one submission).

Allele frequency attached by ClinVar (database versions not stated): 1000 Genomes Project 30x 0.00125; TOPMed 0.00290; 1000 Genomes Project 0.00120.
gnomAD v4.1: 480 of 152,272 alleles (0.32%); highest among the groups gnomAD compares: Non-Finnish European, 0.5%; 1 homozygote.

Submission:

CeGaT Center for Human Genetics Tuebingen
Classification: Benign. Last evaluated: 2022-10-01. Review status: criteria provided, single submitter. Criteria: CeGaT Center For Human Genetics Tuebingen Variant Classification Criteria Version 2. Collection method: clinical testing. Allele origin: germline. Affected: yes. Observed: 5 variant alleles.
Comment: BRD4: BS1, BS2

NM_001379291.1(BRD4):c.2158+4241A>G

Gene: BRD4 (bromodomain containing 4; minus strand). Cytogenetic location: 19p13.12.
Variant type: single nucleotide variant.
Coding change: c.2158+4241A>G on transcript NM_001379291.1 (MANE Select); 4241 bases into the intron after coding-DNA position 2158, A replaced by G.
Molecular consequence: intron variant.
Genome position (GRCh38, 1-based): chr19:15,249,911, T>C on the plus strand (A>G on the coding strand, the complement: BRD4 is on the minus strand). VCF-style: chr19-15249911-T-C. GRCh37 (hg19) VCF-style: chr19-15360722-T-C.
Other names: c.2158+4241A>G (NM_058243.3); c.2159-621A>G (NM_001379292.1, NM_014299.3).
Identifiers: ClinVar variation 2649465 (VCV002649465.24), dbSNP rs147311078, ClinGen allele CA305796060.